The following is an entry in ClinVar:

ClinVar aggregate classification (germline): Likely benign (1 of 4 stars; one submission).

Submission:

CeGaT Center for Human Genetics Tuebingen
Classification: Likely benign. Last evaluated: 2025-05-01. Review status: criteria provided, single submitter. Criteria: CeGaT Center For Human Genetics Tuebingen Variant Classification Criteria Version 2. Collection method: clinical testing. Allele origin: germline. Affected: yes. Observed: 1 variant allele.
Comment: HEATR4: PM2:Supporting, BP4, BP7

NM_001220484.1(HEATR4):c.1941T>A (p.Ile647=)

Genes: HEATR4 (HEAT repeat containing 4; minus strand), ACOT1 (acyl-CoA thioesterase 1; plus strand). Cytogenetic location: 14q24.3.
Variant type: single nucleotide variant.
Coding change: c.1941T>A on transcript NM_001220484.1 (MANE Select); coding-DNA position 1941, T replaced by A.
Protein change: p.Ile647=; no amino-acid change (isoleucine 647 retained).
Molecular consequence: synonymous variant.
Genome position (GRCh38, 1-based): chr14:73,506,512, A>T on the plus strand (T>A on the coding strand, the complement: HEATR4 is on the minus strand). VCF-style: chr14-73506512-A-T. GRCh37 (hg19) VCF-style: chr14-73973216-A-T.
Other names: c.1941T>A, p.Ile647= (NM_203309.2).
Identifiers: ClinVar variation 3905955 (VCV003905955.10).
Genomic context (GRCh38, chr14:73,506,512, plus strand): 5'-AAGAAAGAGGTTTACCAAGCAGACATTTCCACTGATCCGGGAGAAAGCCTGGCAGGCCAC[A>T]ATCCGGTTCTTCCATTGACAGCTGTTCAGCTCCACAGCAAGCATGGTGTGTATCAGGGTC-3'
Protein context (NP_001207413.1, residues 637-657): ELNSCQWKNR[Ile647=]VACQAFSRIS